The following is an entry in ClinVar:

ClinVar aggregate classification (germline): Pathogenic (1 of 4 stars; one submission).

Conditions:
Waardenburg syndrome type 4C (WS4C). Also called: WAARDENBURG SYNDROME WITH HIRSCHSPRUNG DISEASE, TYPE 4C. Identifiers: Orphanet 897, MedGen C2750452, MONDO:0013202, OMIM 613266.

Submission:

Institute of Rare Diseases, West China Hospital, Sichuan University
Classification: Pathogenic for Waardenburg syndrome type 4C. Last evaluated: 2025-01-09. Review status: criteria provided, single submitter. Criteria: ClinGen HL ACMG Specifications v1. Collection method: research. Allele origin: germline. Affected: yes.
Comment: PM1;PVS1;PS2;PP4;PM2_Supporting

NM_006941.4(SOX10):c.1214del (p.His405fs)

Genes: POLR2F (RNA polymerase II, I and III subunit F; plus strand), SOX10 (SRY-box transcription factor 10; minus strand). Cytogenetic location: 22q13.1.
Variant type: Deletion.
Coding change: c.1214del on transcript NM_006941.4 (MANE Select); coding-DNA position 1214, one base deleted (A; older notation c.1214delA).
Protein change: p.His405fs; shifts the reading frame from histidine 405.
Molecular consequence: frameshift variant. On other transcripts: intron variant (3).
Genome position (GRCh38, 1-based): chr22:37,973,682, T deleted on the plus strand (A on the coding strand, the reverse complement: SOX10 is on the minus strand). VCF-style (leftmost placement, unchanged base first): chr22-37973681-AT-A. GRCh37 (hg19) VCF-style: chr22-38369688-AT-A.
Other names: c.*38+1372del (NM_001363825.1); c.293+6512del (NM_001301130.2, NM_001301131.2); short protein forms H405fs.
Identifiers: ClinVar variation 3601808 (VCV003601808.1).
Genomic context (GRCh38, chr22:37,973,681, plus strand): 5'-GAAGGCCGAGTAGAGGCCAGAGGCCTGGCCCGAGTGGCCATAATAGGGTCCTGAGGGCTG[AT>A]GGTCAGAGTAGTCAAACTGGGGGCGGGAGATGGAGGGGAAGGCTGAGCCATAGTGGGGCA-3'